The following is an entry in ClinVar:

ClinVar aggregate classification (germline): Uncertain significance. Review status: criteria provided, multiple submitters, no conflicts (2 of 4 stars). 2 submissions from 2 submitters: Uncertain significance (2). Last evaluated 2026-01-28.

Conditions:
Epileptic encephalopathy. Identifiers: MedGen C0543888, HP:0200134.

Allele frequency attached by ClinVar (database versions not stated): ExAC 0.00003; gnomAD exomes 0.00003; gnomAD 0.00007; TOPMed 0.00008.
gnomAD v4.1: 35 of 1,575,350 alleles (0.0022%); highest among the groups gnomAD compares: African/African-American, 0.019%; no homozygotes.

Submissions (2):

Labcorp Genetics (formerly Invitae), Labcorp
Classification: Uncertain significance for Epileptic encephalopathy. Last evaluated: 2026-01-28. Review status: criteria provided, single submitter. Criteria: Invitae Variant Classification Sherloc (09022015). Collection method: clinical testing. Allele origin: germline.
Comment: This sequence change replaces arginine, which is basic and polar, with histidine, which is basic and polar, at codon 728 of the FASN protein (p.Arg728His). The frequency data for this variant in the population databases is considered unreliable, as metrics indicate poor data quality at this position in the gnomAD database. This variant has not been reported in the literature in individuals affected with FASN-related conditions. ClinVar contains an entry for this variant (Variation ID: 1388978). An algorithm developed to predict the effect of missense changes on protein structure and function outputs the following: PolyPhen-2: "Benign". The histidine amino acid residue is found in multiple mammalian species, which suggests that this missense change does not adversely affect protein function. In summary, the available evidence is currently insufficient to determine the role of this variant in disease. Therefore, it has been classified as a Variant of Uncertain Significance.

Ambry Genetics
Classification: Uncertain significance. Last evaluated: 2025-08-13. Review status: criteria provided, single submitter. Criteria: Ambry Variant Classification Scheme 2023. Collection method: clinical testing. Allele origin: germline.

NM_004104.5(FASN):c.2183G>A (p.Arg728His)

Gene: FASN (fatty acid synthase; minus strand). Cytogenetic location: 17q25.3.
Variant type: single nucleotide variant.
Coding change: c.2183G>A on transcript NM_004104.5 (MANE Select); coding-DNA position 2183, G replaced by A.
Protein change: p.Arg728His; replaces arginine 728 with histidine.
Molecular consequence: missense variant.
Genome position (GRCh38, 1-based): chr17:82,089,090, C>T on the plus strand (G>A on the coding strand, the complement: FASN is on the minus strand). VCF-style: chr17-82089090-C-T. GRCh37 (hg19) VCF-style: chr17-80046966-C-T.
Other names: c.2183G>A (NM_004104.4); short protein forms R728H.
Identifiers: ClinVar variation 1388978 (VCV001388978.10), dbSNP rs762443165, ClinGen allele CA8852877.
Genomic context (GRCh38, chr17:82,089,090, plus strand): 5'-GCCTCCTGGAACAGCACAGGGCTCACCAGGTTGTTGACATTGTACTCGGCGGAGGACGTG[C>T]GTGCCAGGCTGCTGTGCCACTGGGCCTCGGGGATAGAGGTGCTGAGCCAGCGGGCTGAAC-3'
Protein context (NP_004095.4, residues 718-738): PEAQWHSSLA[Arg728His]TSSAEYNVNN